The following is an entry in ClinVar:

NM_020738.4(KIDINS220):c.207+3A>G

Gene: KIDINS220 (kinase D interacting substrate 220; minus strand). Cytogenetic location: 2p25.1.
Variant type: single nucleotide variant.
Coding change: c.207+3A>G on transcript NM_020738.4 (MANE Select); 3 bases into the intron after coding-DNA position 207, A replaced by G.
Molecular consequence: intron variant.
Genome position (GRCh38, 1-based): chr2:8,818,692, T>C on the plus strand (A>G on the coding strand, the complement: KIDINS220 is on the minus strand). VCF-style: chr2-8818692-T-C. GRCh37 (hg19) VCF-style: chr2-8958822-T-C.
Other names: c.207+3A>G (NM_001348741.2, NM_001348738.2, NM_001348739.2 and 9 more transcripts); c.81+3A>G (NM_001348736.2).
Identifiers: ClinVar variation 1032091 (VCV001032091.46), dbSNP rs374940372, ClinGen allele CA1520507.

ClinVar aggregate classification (germline): Uncertain significance. Review status: criteria provided, multiple submitters, no conflicts (2 of 4 stars). 6 submissions from 6 submitters: Uncertain significance (5). 1 of the submissions does not count toward it. Last evaluated 2026-01-26.

Conditions:
KIDINS220-related disorder. Also called: KIDINS220-related condition.
Spastic paraplegia, intellectual disability, nystagmus, and obesity. Also called: Spastic paraplegia, intellectual disability, nystagmus, and obesity;. Identifiers: Orphanet 521390, MedGen C4284592, MONDO:0015007, OMIM 617296.

Allele frequency attached by ClinVar (database versions not stated): ExAC 0.00005; gnomAD exomes 0.00008 and 0.00013; ESP Exome Variant Server 0.00009; gnomAD 0.00009 and 0.00010; TOPMed 0.00011.
gnomAD v4.1: 193 of 1,506,264 alleles (0.013%); highest among the groups gnomAD compares: Non-Finnish European, 0.017%; no homozygotes.

Submissions (6):

Labcorp Genetics (formerly Invitae), Labcorp
Classification: Uncertain significance. Last evaluated: 2026-01-26. Review status: criteria provided, single submitter. Criteria: Invitae Variant Classification Sherloc (09022015). Collection method: clinical testing. Allele origin: germline.
Comment: This sequence change falls in intron 3 of the KIDINS220 gene. It does not directly change the encoded amino acid sequence of the KIDINS220 protein. It affects a nucleotide within the consensus splice site. This variant is present in population databases (rs374940372, gnomAD 0.01%). This variant has not been reported in the literature in individuals affected with KIDINS220-related conditions. ClinVar contains an entry for this variant (Variation ID: 1032091). Variants that disrupt the consensus splice site are a relatively common cause of aberrant splicing (PMID: 17576681, 9536098). Algorithms developed to predict the effect of sequence changes on RNA splicing suggest that this variant may disrupt the consensus splice site. In summary, the available evidence is currently insufficient to determine the role of this variant in disease. Therefore, it has been classified as a Variant of Uncertain Significance.

Blueprint Genetics
Classification: Uncertain significance. Last evaluated: 2024-04-12. Review status: criteria provided, single submitter. Criteria: ACMG Guidelines, 2015. Collection method: clinical testing. Allele origin: germline.

CeGaT Center for Human Genetics Tuebingen
Classification: Uncertain significance. Last evaluated: 2021-08-01. Review status: criteria provided, single submitter. Criteria: CeGaT Center For Human Genetics Tuebingen Variant Classification Criteria Version 2. Collection method: clinical testing. Allele origin: germline. Affected: yes. Observed: 1 variant allele.

GeneDx
Classification: Uncertain significance. Last evaluated: 2021-03-22. Review status: criteria provided, single submitter. Criteria: GeneDx Variant Classification Process June 2021. Collection method: clinical testing. Allele origin: germline. Affected: yes.
Comment: Reported in an individual with obesity, no additional information was provided (Kleinendorst et al., 2018); In-silico analysis, which includes splice predictors and evolutionary conservation, is inconclusive as to whether the variant alters gene splicing. In the absence of RNA/functional studies, the actual effect of this sequence change is unknown.; Nucleotide substitution has no predicted effect on splicing and is not conserved across species This variant is associated with the following publications: (PMID: 29970488)

Baylor Genetics
Classification: Uncertain significance for Spastic paraplegia, intellectual disability, nystagmus, and obesity. Last evaluated: 2018-11-03. Review status: criteria provided, single submitter. Criteria: ACMG Guidelines, 2015. Collection method: clinical testing. Allele origin: unknown. Affected: yes.
Comment: This variant was determined to be of uncertain significance according to ACMG Guidelines, 2015 [PMID:25741868].

PreventionGenetics, part of Exact Sciences
Classification: Likely benign for KIDINS220-related condition. Last evaluated: 2022-05-12. Review status: no assertion criteria provided. Collection method: clinical testing. Allele origin: germline. Not counted in ClinVar's aggregate classification.
Comment: This variant is classified as likely benign based on ACMG/AMP sequence variant interpretation guidelines (Richards et al. 2015 PMID: 25741868, with internal and published modifications).

Literature cited by the submitters: PubMed 17576681 (cited by Labcorp Genetics (formerly Invitae), Labcorp); PubMed 9536098 (cited by Labcorp Genetics (formerly Invitae), Labcorp).